The following is an entry in ClinVar:

ClinVar aggregate classification (germline): Conflicting classifications of pathogenicity. Review status: criteria provided, conflicting classifications (1 of 4 stars). 8 submissions from 8 submitters: Uncertain significance (7); Likely benign (1). Last evaluated 2026-04-27.

Conditions:
DICER1-related disorder. Also called: DICER1-related condition.
Global developmental delay - lung cysts - overgrowth - Wilms tumor syndrome. Also called: GLOBAL DEVELOPMENTAL DELAY, LUNG CYSTS, OVERGROWTH, AND WILMS TUMOR; GLOW Syndrome. Identifiers: Orphanet 404476, MedGen C4748924, MONDO:0018445, OMIM 618272.
Euthyroid goiter (MNG1). Also called: MULTINODULAR GOITER, ADOLESCENT; Goiter, multinodular 1, with or without Sertoli-Leydig cell tumors; GOITER, NONTOXIC, WITH INTRATHYROIDAL CALCIFICATION; SIMPLE GOITER. Identifiers: Orphanet 276399, MedGen C0302859, MONDO:0007681, OMIM 138800, HP:0009798.
Pleuropulmonary blastoma (PPB). Identifiers: Orphanet 64742, MedGen C1266144, MONDO:0011014, OMIM 601200, HP:0100528.
Rhabdomyosarcoma, embryonal, 2 (RMSE2). Identifiers: MedGen C1867234, MONDO:0859046, OMIM 180295.
DICER1-related tumor predisposition. Also called: DICER1 syndrome; DICER1-related pleuropulmonary blastoma cancer predisposition syndrome. Identifiers: Orphanet 284343, MedGen C3839822, MONDO:0100216.
Hereditary cancer-predisposing syndrome. Also called: Neoplastic Syndromes, Hereditary; Tumor predisposition; Hereditary Cancer Syndrome; Hereditary neoplastic syndrome. Identifiers: Orphanet 140162, MedGen C0027672, MeSH D009386, MONDO:0015356.

Allele frequency attached by ClinVar (database versions not stated): gnomAD exomes below 0.00001 and 0.00002; ExAC 0.00001; gnomAD 0.00001; TOPMed 0.00001.
gnomAD v4.1: 8 of 1,613,870 alleles (0.0005%); highest among the groups gnomAD compares: Admixed American, 0.0067%; no homozygotes.

Submissions (8):

PreventionGenetics, part of Exact Sciences
Classification: Uncertain significance for DICER1-related condition. Last evaluated: 2026-04-27. Review status: criteria provided, single submitter. Criteria: ACMG Guidelines, 2015. Collection method: clinical testing. Allele origin: germline.
Comment: The DICER1 c.263A>T variant is predicted to result in the amino acid substitution p.Asp88Val. To our knowledge, this variant has not been reported in the literature. This variant is reported in 0.0087% of alleles in individuals of Latino descent in gnomAD and has conflicting interpretations in ClinVar, ranging from uncertain to likely benign (Variation ID: 412194). At this time, the clinical significance of this variant is uncertain due to the absence of conclusive functional and genetic evidence.

Labcorp Genetics (formerly Invitae), Labcorp
Classification: Likely benign for DICER1-related tumor predisposition. Last evaluated: 2026-01-22. Review status: criteria provided, single submitter. Criteria: Invitae Variant Classification Sherloc (09022015). Collection method: clinical testing. Allele origin: germline.

Center for Genomic Medicine, Rigshospitalet, Copenhagen University Hospital
Classification: Uncertain significance. Last evaluated: 2025-03-04. Review status: criteria provided, single submitter. Criteria: ACMG Guidelines, 2015. Collection method: clinical testing. Allele origin: germline.

Hereditary Cancer Group, L’Institut d'Investigació Biomèdica de Bellvitge
Classification: Uncertain significance for Hereditary cancer-predisposing syndrome. Last evaluated: 2024-12-19. Review status: criteria provided, single submitter. Criteria: Hatton et al. (Hum Mutat. 2023). Collection method: clinical testing. Allele origin: germline. Inheritance: Autosomal dominant inheritance. Affected: yes.
Comment: BP4

Ambry Genetics
Classification: Uncertain significance for Hereditary cancer-predisposing syndrome. Last evaluated: 2024-10-23. Review status: criteria provided, single submitter. Criteria: Ambry Variant Classification Scheme 2023. Collection method: clinical testing. Allele origin: germline.
Comment: The p.D88V variant (also known as c.263A>T), located in coding exon 2 of the DICER1 gene, results from an A to T substitution at nucleotide position 263. The aspartic acid at codon 88 is replaced by valine, an amino acid with highly dissimilar properties. This amino acid position is well conserved in available vertebrate species. In addition, this alteration is predicted to be tolerated by in silico analysis. Since supporting evidence is limited at this time, the clinical significance of this alteration remains unclear.

Fulgent Genetics
Classification: Uncertain significance for Euthyroid goiter; Rhabdomyosarcoma, embryonal, 2; Pleuropulmonary blastoma; Global developmental delay - lung cysts - overgrowth - Wilms tumor syndrome. Last evaluated: 2024-06-21. Review status: criteria provided, single submitter. Criteria: ACMG Guidelines, 2015. Collection method: clinical testing. Allele origin: germline.

Baylor Genetics
Classification: Uncertain significance for Global developmental delay - lung cysts - overgrowth - Wilms tumor syndrome. Last evaluated: 2024-03-13. Review status: criteria provided, single submitter. Criteria: ACMG Guidelines, 2015. Collection method: clinical testing. Allele origin: unknown.

Quest Diagnostics Nichols Institute San Juan Capistrano
Classification: Uncertain significance. Last evaluated: 2021-06-06. Review status: criteria provided, single submitter. Criteria: Quest Diagnostics criteria. Collection method: clinical testing. Allele origin: unknown.

NM_177438.3(DICER1):c.263A>T (p.Asp88Val)

Gene: DICER1 (dicer 1, ribonuclease III; minus strand). Cytogenetic location: 14q32.13.
Variant type: single nucleotide variant.
Coding change: c.263A>T on transcript NM_177438.3 (MANE Select); coding-DNA position 263, A replaced by T.
Protein change: p.Asp88Val; replaces aspartic acid 88 with valine.
Molecular consequence: missense variant.
Genome position (GRCh38, 1-based): chr14:95,132,559, T>A on the plus strand (A>T on the coding strand, the complement: DICER1 is on the minus strand). VCF-style: chr14-95132559-T-A. GRCh37 (hg19) VCF-style: chr14-95598896-T-A.
Other names: c.263A>T, p.Asp88Val (NM_001195573.1, NM_001271282.3, NM_001291628.2 and 1 more transcripts); short protein forms D88V.
Identifiers: ClinVar variation 412194 (VCV000412194.28), dbSNP rs775828379, ClinGen allele CA7331705.
Genomic context (GRCh38, chr14:95,132,559, plus strand): 5'-AATAATTTTTTATTACCAGAGTTGACCAAGAACACCGTCCTTTTTCCATTTCTGCTGAAG[T>A]CTCCCCTGATCTGATAGGACAGCTCTTTAGTGAGTAGTACTGCAATAAATGTCTTCCCTG-3'
Protein context (NP_803187.1, residues 78-98): TKELSYQIRG[Asp88Val]FSRNGKRTVF